The following is an entry in ClinVar:

NM_024312.5(GNPTAB):c.500T>A (p.Ile167Asn)

Gene: GNPTAB (N-acetylglucosamine-1-phosphate transferase subunits alpha and beta; minus strand). Cytogenetic location: 12q23.2.
Variant type: single nucleotide variant.
Coding change: c.500T>A on transcript NM_024312.5 (MANE Select); coding-DNA position 500, T replaced by A.
Protein change: p.Ile167Asn; replaces isoleucine 167 with asparagine.
Molecular consequence: missense variant.
Genome position (GRCh38, 1-based): chr12:101,786,083, A>T on the plus strand (T>A on the coding strand, the complement: GNPTAB is on the minus strand). VCF-style: chr12-101786083-A-T. GRCh37 (hg19) VCF-style: chr12-102179861-A-T.
Other names: short protein forms I167N.
Identifiers: ClinVar variation 281019 (VCV000281019.19), dbSNP rs143907628, ClinGen allele CA6746871.
Genomic context (GRCh38, chr12:101,786,083, plus strand): 5'-CTGTCAAAAACAACAACTGAGACATTGGTAGAAGGGTTTTTTGGTTTTGCAACATTGAAA[A>T]TGTCACTGGCAGAATGAAAAGAAGGATAAAGAGATGGCAGGTCCTTCAGGGTGATGTTGG-3'
Protein context (NP_077288.2, residues 157-177): LYPSFHSASD[Ile167Asn]FNVAKPKNPS

ClinVar aggregate classification (germline): Conflicting classifications of pathogenicity. Review status: criteria provided, conflicting classifications (1 of 4 stars). 7 submissions from 6 submitters: Uncertain significance (5); Likely benign (2). Last evaluated 2026-01-20.

Conditions:
Inborn genetic diseases. Identifiers: MedGen C0950123, MeSH D030342.
Pseudo-Hurler polydystrophy. Also called: MUCOLIPIDOSIS IIIA; Type III Mucolipidosis; ML III; ML III ALPHA/BETA; ML IIIA; Mucolipidosis III Alpha/Beta. Identifiers: Orphanet 423461, Orphanet 577, MedGen C0033788, MONDO:0018931, OMIM 252600.
Mucolipidosis type II. Also called: ML II ALPHA/BETA; Mucolipidosis 2; ML 2; Inclusion cell disease; Leroy Disease; N-acetylglucosamine 1phosphotransferase deficiency. Identifiers: Orphanet 576, MedGen C2673377, MONDO:0009650, OMIM 252500.

Allele frequency attached by ClinVar (database versions not stated): gnomAD exomes 0.00046 and 0.00044; TOPMed 0.00059; 1000 Genomes Project 0.00020; ESP Exome Variant Server 0.00031; gnomAD 0.00046 and 0.00049; 1000 Genomes Project 30x 0.00031; ExAC 0.00041.
gnomAD v4.1: 715 of 1,614,152 alleles (0.044%); highest among the groups gnomAD compares: Admixed American, 0.15%; no homozygotes.

Submissions (7):

Labcorp Genetics (formerly Invitae), Labcorp
Classification: Likely benign for Pseudo-Hurler polydystrophy; Mucolipidosis type II. Last evaluated: 2026-01-20. Review status: criteria provided, single submitter. Criteria: Invitae Variant Classification Sherloc (09022015). Collection method: clinical testing. Allele origin: germline.

Department of Pathology and Laboratory Medicine, Sinai Health System
Classification: Uncertain significance for Mucolipidosis type II; Pseudo-Hurler polydystrophy. Last evaluated: 2022-06-09. Review status: criteria provided, single submitter. Criteria: ACMG Guidelines, 2015. Collection method: research. Allele origin: germline.

Ambry Genetics
Classification: Likely benign for Inborn genetic diseases. Last evaluated: 2021-07-30. Review status: criteria provided, single submitter. Criteria: Ambry Variant Classification Scheme 2023. Collection method: clinical testing. Allele origin: germline.

Fulgent Genetics
Classification: Uncertain significance for Mucolipidosis type II; Pseudo-Hurler polydystrophy. Last evaluated: 2018-10-31. Review status: criteria provided, single submitter. Criteria: ACMG Guidelines, 2015. Collection method: clinical testing. Allele origin: unknown.

Illumina Laboratory Services, Illumina
Classification: Uncertain significance for Pseudo-Hurler polydystrophy. Last evaluated: 2017-04-27. Review status: criteria provided, single submitter. Criteria: ICSL Variant Classification Criteria 13 December 2019. Collection method: clinical testing. Allele origin: germline.

Illumina Laboratory Services, Illumina
Classification: Uncertain significance for Mucolipidosis type II. Last evaluated: 2017-04-27. Review status: criteria provided, single submitter. Criteria: ICSL Variant Classification Criteria 13 December 2019. Collection method: clinical testing. Allele origin: germline.
Comment: This variant was observed as part of a predisposition screen in an ostensibly healthy population. A literature search was performed for the gene, cDNA change, and amino acid change (where applicable). Publications were found based on this search. However, the evidence from the literature, in combination with allele frequency data from public databases where available, was not sufficient to rule this variant in or out of causing disease. Therefore, this variant is classified as a variant of unknown significance.

Eurofins Ntd Llc (ga)
Classification: Uncertain significance. Last evaluated: 2016-02-05. Review status: criteria provided, single submitter. Criteria: EGL Classification Definitions 2015. Collection method: clinical testing. Allele origin: germline. Observed: 2 variant alleles, 2 heterozygotes.

Literature cited by the submitters: PubMed 26130485 (cited by Illumina Laboratory Services, Illumina).